The following is an entry in ClinVar:

NM_194248.3(OTOF):c.2580C>G (p.Val860=)

Gene: OTOF (otoferlin; minus strand). Cytogenetic location: 2p23.3.
Variant type: single nucleotide variant.
Coding change: c.2580C>G on transcript NM_194248.3 (MANE Select); coding-DNA position 2580, C replaced by G.
Protein change: p.Val860=; no amino-acid change (valine 860 retained).
Molecular consequence: synonymous variant.
Genome position (GRCh38, 1-based): chr2:26,476,987, G>C on the plus strand (C>G on the coding strand, the complement: OTOF is on the minus strand). VCF-style: chr2-26476987-G-C. GRCh37 (hg19) VCF-style: chr2-26699855-G-C.
Other names: p.Val860=; c.2580C>G, p.Val860= (NM_001287489.2); c.339C>G, p.Val113= (NM_004802.4, NM_194323.3); c.510C>G, p.Val170= (NM_194322.3).
Identifiers: ClinVar variation 21838 (VCV000021838.27), dbSNP rs2272069, ClinGen allele CA142816.

ClinVar aggregate classification (germline): Benign. Review status: criteria provided, multiple submitters, no conflicts (2 of 4 stars). 11 submissions from 11 submitters: Benign (10). 1 of the submissions does not count toward it. Last evaluated 2026-06-22.

Conditions:
Autosomal recessive nonsyndromic hearing loss 9. Also called: OTOF-Related Hearing Loss; Deafness, autosomal recessive 9; AUDITORY NEUROPATHY, AUTOSOMAL RECESSIVE, 1, TEMPERATURE-SENSITIVE; NEUROSENSORY NONSYNDROMIC RECESSIVE DEAFNESS 9. Identifiers: Orphanet 90636, MedGen C1832828, MONDO:0010986, OMIM 601071.

Allele frequency attached by ClinVar (database versions not stated): ESP Exome Variant Server 0.34380; TOPMed 0.39260; 1000 Genomes Project 30x 0.49235; 1000 Genomes Project 0.50160.
gnomAD v4.1: 663,910 of 1,609,828 alleles (41%); highest among the groups gnomAD compares: East Asian, 84%; 144,973 homozygotes.

Submissions (11):

Women's Health and Genetics/Laboratory Corporation of America, LabCorp
Classification: Benign. Last evaluated: 2026-06-22. Review status: criteria provided, single submitter. Criteria: LabCorp Variant Classification Summary - May 2015. Collection method: clinical testing. Allele origin: germline.

Labcorp Genetics (formerly Invitae), Labcorp
Classification: Benign. Last evaluated: 2026-02-04. Review status: criteria provided, single submitter. Criteria: Invitae Variant Classification Sherloc (09022015). Collection method: clinical testing. Allele origin: germline.

Genome-Nilou Lab
Classification: Benign for Autosomal recessive nonsyndromic hearing loss 9. Last evaluated: 2021-09-05. Review status: criteria provided, single submitter. Criteria: ACMG Guidelines, 2015. Collection method: clinical testing. Allele origin: germline. Affected: no.

Mayo Clinic Laboratories, Mayo Clinic
Classification: Benign. Last evaluated: 2019-06-04. Review status: criteria provided, single submitter. Criteria: ACMG Guidelines, 2015. Collection method: clinical testing. Allele origin: germline. Observed: 139 variant alleles.

Illumina Laboratory Services, Illumina
Classification: Benign for Autosomal recessive nonsyndromic hearing loss 9. Last evaluated: 2018-01-12. Review status: criteria provided, single submitter. Criteria: ICSL Variant Classification Criteria 13 December 2019. Collection method: clinical testing. Allele origin: germline.
Comment: This variant was observed in the ICSL laboratory as part of a predisposition screen in an ostensibly healthy population. It had not been previously curated by ICSL or reported in the Human Gene Mutation Database (HGMD: prior to June 1st, 2018), and was therefore a candidate for classification through an automated scoring system. Utilizing variant allele frequency, disease prevalence and penetrance estimates, and inheritance mode, an automated score was calculated to assess if this variant is too frequent to cause the disease. Based on the score and internal cut-off values, a variant classified as benign is not then subjected to further curation. The score for this variant resulted in a classification of benign for this disease.

GeneDx
Classification: Benign. Last evaluated: 2017-05-09. Review status: criteria provided, single submitter. Criteria: GeneDx Variant Classification (06012015). Collection method: clinical testing. Allele origin: germline. Affected: yes.
Comment: This variant is considered likely benign or benign based on one or more of the following criteria: it is a conservative change, it occurs at a poorly conserved position in the protein, it is predicted to be benign by multiple in silico algorithms, and/or has population frequency not consistent with disease.

Eurofins Ntd Llc (ga)
Classification: Benign. Last evaluated: 2016-06-07. Review status: criteria provided, single submitter. Criteria: EGL Classification Definitions 2015. Collection method: clinical testing. Allele origin: germline. Observed: 3 variant alleles, 3 heterozygotes.

Laboratory for Molecular Medicine, Mass General Brigham Personalized Medicine
Classification: Benign. Last evaluated: 2007-03-02. Review status: criteria provided, single submitter. Criteria: LMM Criteria. Collection method: clinical testing. Allele origin: germline. Observed: 1,413 variant alleles.

Breakthrough Genomics
Classification: Benign. Review status: criteria provided, single submitter. Criteria: ACMG Guidelines, 2015. Collection method: not provided. Allele origin: germline. Inheritance: Autosomal recessive inheritance. Affected: yes.

PreventionGenetics, part of Exact Sciences
Classification: Benign. Review status: criteria provided, single submitter. Criteria: ACMG Guidelines, 2015. Collection method: clinical testing. Allele origin: germline.

GeneReviews
No classification provided. Condition: Autosomal recessive nonsyndromic hearing loss 9. Review status: no classification provided. Collection method: literature only. Allele origin: unknown. Not counted in ClinVar's aggregate classification.

Literature cited by the submitters: PubMed 20301429 (cited by GeneReviews); NCBI Bookshelf NBK1251 (cited by GeneReviews).